The following is an entry in ClinVar:

ClinVar aggregate classification (germline): Uncertain significance (1 of 4 stars; one submission).

Allele frequency attached by ClinVar (database versions not stated): TOPMed 0.00001.

Submission:

GeneDx
Classification: Uncertain significance. Last evaluated: 2022-03-31. Review status: criteria provided, single submitter. Criteria: GeneDx Variant Classification Process June 2021. Collection method: clinical testing. Allele origin: germline. Affected: yes.
Comment: Not observed at significant frequency in large population cohorts (gnomAD); In silico analysis supports that this variant does not alter splicing; Has not been previously published as pathogenic or benign to our knowledge

NM_000032.5(ALAS2):c.912C>T (p.His304=)

Gene: ALAS2 (5'-aminolevulinate synthase 2; minus strand). Cytogenetic location: Xp11.21.
Variant type: single nucleotide variant.
Coding change: c.912C>T on transcript NM_000032.5 (MANE Select); coding-DNA position 912, C replaced by T.
Protein change: p.His304=; no amino-acid change (histidine 304 retained).
Molecular consequence: synonymous variant.
Genome position (GRCh38, 1-based): chrX:55,017,577, G>A on the plus strand (C>T on the coding strand, the complement: ALAS2 is on the minus strand). VCF-style: chrX-55017577-G-A. GRCh37 (hg19) VCF-style: chrX-55044010-G-A.
Other names: c.801C>T, p.His267= (NM_001037967.4); c.873C>T, p.His291= (NM_001037968.4).
Identifiers: ClinVar variation 1707795 (VCV001707795.2), dbSNP rs1012697064, ClinGen allele CA328972100.
Genomic context (GRCh38, chrX:55,017,577, plus strand): 5'-AATTTTGGGTATCTTAGGGTTAGACTTCTCTAGAAGTTTCTTTAGGTGGTCAGGGTCATT[G>A]TGCCTGAAGACAAACTTGGCTGCTCCACTGTTACGGATACCTTGGATCATGGAAGCATGG-3'
Protein context (NP_000023.2, residues 294-314): NSGAAKFVFR[His304=]NDPDHLKKLL